The following is an entry in ClinVar:

NM_000760.4(CSF3R):c.737C>T (p.Ala246Val)

Gene: CSF3R (colony stimulating factor 3 receptor; minus strand). Cytogenetic location: 1p34.3.
Variant type: single nucleotide variant.
Coding change: c.737C>T on transcript NM_000760.4 (MANE Select); coding-DNA position 737, C replaced by T.
Protein change: p.Ala246Val; replaces alanine 246 with valine.
Molecular consequence: missense variant.
Genome position (GRCh38, 1-based): chr1:36,472,623, G>A on the plus strand (C>T on the coding strand, the complement: CSF3R is on the minus strand). VCF-style: chr1-36472623-G-A. GRCh37 (hg19) VCF-style: chr1-36938224-G-A.
Other names: c.737C>T, p.Ala246Val (NM_156039.3, NM_172313.3); short protein forms A246V.
Identifiers: ClinVar variation 4686443 (VCV004686443.1).

ClinVar aggregate classification (germline): Uncertain significance (1 of 4 stars; one submission).

Submission:

GeneDx
Classification: Uncertain significance. Last evaluated: 2025-07-14. Review status: criteria provided, single submitter. Criteria: GeneDx Variant Classification Process June 2021. Collection method: clinical testing. Allele origin: germline. Affected: yes.
Comment: Not observed at significant frequency in large population cohorts (gnomAD); In silico analysis suggests that this missense variant does not alter protein structure/function; In silico analysis supports a deleterious effect on splicing; Has not been previously published as pathogenic or benign to our knowledge